The following is an entry in ClinVar:

NM_001378615.1(CC2D2A):c.3201G>A (p.Ser1067=)

Genes: CC2D2A (coiled-coil and C2 domain containing 2A; plus strand), FBXL5 (F-box and leucine rich repeat protein 5; minus strand). Cytogenetic location: 4p15.32.
Variant type: single nucleotide variant.
Coding change: c.3201G>A on transcript NM_001378615.1 (MANE Select); coding-DNA position 3201, G replaced by A.
Protein change: p.Ser1067=; no amino-acid change (serine 1067 retained).
Molecular consequence: synonymous variant.
Genome position (GRCh38, 1-based): chr4:15,567,395, G>A. VCF-style: chr4-15567395-G-A. GRCh37 (hg19) VCF-style: chr4-15569018-G-A.
Other names: p.Ser1067=; c.3201G>A, p.Ser1067= (NM_001080522.2); c.3054G>A, p.Ser1018= (NM_001378617.1).
Identifiers: ClinVar variation 126237 (VCV000126237.33), dbSNP rs73125627, ClinGen allele CA150866.

ClinVar aggregate classification (germline): Benign. Review status: criteria provided, multiple submitters, no conflicts (2 of 4 stars). 13 submissions from 11 submitters: Benign (10). 3 of the submissions do not count toward it. Last evaluated 2026-02-04.

Conditions:
Meckel-Gruber syndrome. Also called: DYSENCEPHALIA SPLANCHNOCYSTICA; GRUBER SYNDROME; Dysencephalia splachnocystica. Identifiers: Orphanet 564, MedGen C0265215, MONDO:0018921.
Joubert syndrome. Also called: Familial aplasia of the vermis; JOUBERT-BOLTSHAUSER SYNDROME. Identifiers: Orphanet 475, MedGen C5979921, MONDO:0018772.
Joubert syndrome 9 (JBTS9). Identifiers: Orphanet 2318, MedGen C2676788, MONDO:0012849, OMIM 612285.
Meckel syndrome, type 6. Identifiers: Orphanet 564, MedGen C2676790, MONDO:0012848, OMIM 612284.

Allele frequency attached by ClinVar (database versions not stated): 1000 Genomes Project 30x 0.14803; 1000 Genomes Project 0.15176; TOPMed 0.19050; gnomAD 0.20314 and 0.20422; ESP Exome Variant Server 0.20632; ExAC 0.21199; gnomAD exomes 0.21359 and 0.24165.
gnomAD v4.1: 382,533 of 1,611,182 alleles (24%); highest among the groups gnomAD compares: Non-Finnish European, 25%; 47,548 homozygotes.

Submissions (13):

Labcorp Genetics (formerly Invitae), Labcorp
Classification: Benign for Joubert syndrome; Meckel-Gruber syndrome. Last evaluated: 2026-02-04. Review status: criteria provided, single submitter. Criteria: Invitae Variant Classification Sherloc (09022015). Collection method: clinical testing. Allele origin: germline.

Blueprint Genetics
Classification: Benign. Last evaluated: 2024-11-26. Review status: criteria provided, single submitter. Criteria: ACMG Guidelines, 2015. Collection method: clinical testing. Allele origin: germline.

Mayo Clinic Laboratories, Mayo Clinic
Classification: Benign. Last evaluated: 2022-05-05. Review status: criteria provided, single submitter. Criteria: ACMG Guidelines, 2015. Collection method: clinical testing. Allele origin: germline. Observed: 418 variant alleles.

Genome-Nilou Lab
Classification: Benign for Joubert syndrome 9. Last evaluated: 2021-07-14. Review status: criteria provided, single submitter. Criteria: ACMG Guidelines, 2015. Collection method: clinical testing. Allele origin: germline. Affected: no.

Genome-Nilou Lab
Classification: Benign for Meckel syndrome, type 6. Last evaluated: 2021-07-14. Review status: criteria provided, single submitter. Criteria: ACMG Guidelines, 2015. Collection method: clinical testing. Allele origin: germline. Affected: no.

Illumina Laboratory Services, Illumina
Classification: Benign for Meckel syndrome, type 6. Last evaluated: 2018-01-13. Review status: criteria provided, single submitter. Criteria: ICSL Variant Classification Criteria 13 December 2019. Collection method: clinical testing. Allele origin: germline.
Comment: This variant was observed in the ICSL laboratory as part of a predisposition screen in an ostensibly healthy population. It had not been previously curated by ICSL or reported in the Human Gene Mutation Database (HGMD: prior to June 1st, 2018), and was therefore a candidate for classification through an automated scoring system. Utilizing variant allele frequency, disease prevalence and penetrance estimates, and inheritance mode, an automated score was calculated to assess if this variant is too frequent to cause the disease. Based on the score and internal cut-off values, a variant classified as benign is not then subjected to further curation. The score for this variant resulted in a classification of benign for this disease.

Illumina Laboratory Services, Illumina
Classification: Benign for Joubert syndrome 9. Last evaluated: 2018-01-13. Review status: criteria provided, single submitter. Criteria: ICSL Variant Classification Criteria 13 December 2019. Collection method: clinical testing. Allele origin: germline.
Comment: the same text as in the submission from Illumina Laboratory Services, Illumina above.

GeneDx
Classification: Benign. Last evaluated: 2015-03-03. Review status: criteria provided, single submitter. Criteria: GeneDx Variant Classification Process June 2021. Collection method: clinical testing. Allele origin: germline. Affected: yes.

Breakthrough Genomics
Classification: Benign. Review status: criteria provided, single submitter. Criteria: ACMG Guidelines, 2015. Collection method: not provided. Allele origin: germline. Inheritance: Autosomal recessive inheritance. Affected: yes.

PreventionGenetics, part of Exact Sciences
Classification: Benign. Review status: criteria provided, single submitter. Criteria: ACMG Guidelines, 2015. Collection method: clinical testing. Allele origin: germline.

Clinical Genetics DNA and cytogenetics Diagnostics Lab, Erasmus MC, Erasmus Medical Center
Classification: Benign. Review status: no assertion criteria provided. Collection method: clinical testing. Allele origin: germline. Affected: yes. Study: VKGL Data-share Consensus. Not counted in ClinVar's aggregate classification.

Genetic Services Laboratory, University of Chicago
Classification: Likely benign for AllHighlyPenetrant. Review status: no assertion criteria provided. Collection method: clinical testing. Allele origin: germline. Inheritance: Autosomal recessive inheritance. Observed: 246 variant alleles. Not counted in ClinVar's aggregate classification.
Comment: Likely benign based on allele frequency in 1000 Genomes Project or ESP global frequency and its presence in a patient with a rare or unrelated disease phenotype. NOT Sanger confirmed.

Joint Genome Diagnostic Labs from Nijmegen and Maastricht, Radboudumc and MUMC+
Classification: Benign. Review status: no assertion criteria provided. Collection method: clinical testing. Allele origin: germline. Affected: yes. Study: VKGL Data-share Consensus. Not counted in ClinVar's aggregate classification.